The following is an entry in ClinVar:

NM_001035.3(RYR2):c.13612T>G (p.Ser4538Ala)

Gene: RYR2 (ryanodine receptor 2; plus strand). Cytogenetic location: 1q43.
Variant type: single nucleotide variant.
Coding change: c.13612T>G on transcript NM_001035.3 (MANE Select); coding-DNA position 13612, T replaced by G.
Protein change: p.Ser4538Ala; replaces serine 4538 with alanine.
Molecular consequence: missense variant.
Genome position (GRCh38, 1-based): chr1:237,792,153, T>G. VCF-style: chr1-237792153-T-G. GRCh37 (hg19) VCF-style: chr1-237955453-T-G.
Other names: short protein forms S4538A.
Identifiers: ClinVar variation 3072635 (VCV003072635.1), dbSNP rs2527919376, ClinGen allele CA345417354.

ClinVar aggregate classification (germline): Uncertain significance (1 of 4 stars; one submission).

Conditions:
Catecholaminergic polymorphic ventricular tachycardia (CVPT). Also called: Catecholamine-induced polymorphic ventricular tachycardia. Identifiers: Orphanet 3286, MedGen C5574922, MONDO:0017990.

Submission:

All of Us Research Program, National Institutes of Health
Classification: Uncertain significance for Catecholaminergic polymorphic ventricular tachycardia. Last evaluated: 2023-08-15. Review status: criteria provided, single submitter. Criteria: ACMG Guidelines, 2015. Collection method: clinical testing. Allele origin: germline. Inheritance: Autosomal dominant inheritance. Observed: 1 variant allele, 1 heterozygote.
Comment: This study involves interpretation of variants in research participants for the purpose of population health screening. Participant phenotype was not available at the time of variant classification. Additional details can be found in publication PMID: 35346344, PMCID: PMC8962531